The following is an entry in ClinVar:

ClinVar aggregate classification (germline): Uncertain significance. Review status: criteria provided, multiple submitters, no conflicts (2 of 4 stars). 3 submissions from 3 submitters: Uncertain significance (3). Last evaluated 2026-08-23.

Conditions:
Inborn genetic diseases. Identifiers: MedGen C0950123, MeSH D030342.
Fanconi anemia (FA). Also called: Fanconi's anemia. Identifiers: Orphanet 84, MedGen C0015625, MeSH D005199, MONDO:0019391.
Fanconi anemia complementation group A (FANCA). Also called: Fanconi anemia, group A; FANCA-Related Fanconi Anemia. Identifiers: Orphanet 84, MedGen C3469521, MONDO:0009215, OMIM 227650.

Allele frequency attached by ClinVar (database versions not stated): gnomAD 0.00001; TOPMed 0.00001.
gnomAD v4.1: 3 of 1,614,074 alleles (0.00019%); highest among the groups gnomAD compares: African/African-American, 0.0013%; no homozygotes.

Submissions (3):

Ambry Genetics
Classification: Uncertain significance for Inborn genetic diseases. Last evaluated: 2026-08-23. Review status: criteria provided, single submitter. Criteria: Ambry Variant Classification Scheme 2023. Collection method: clinical testing. Allele origin: germline.
Comment: The p.S696I variant (also known as c.2087G>T), located in coding exon 23 of the FANCA gene, results from a G to T substitution at nucleotide position 2087. The serine at codon 696 is replaced by isoleucine, an amino acid with dissimilar properties. This amino acid position is conserved. In addition, this alteration is predicted to be tolerated by in silico analysis. Based on the available evidence, the clinical significance of this variant remains unclear.

Labcorp Genetics (formerly Invitae), Labcorp
Classification: Uncertain significance for Fanconi anemia. Last evaluated: 2022-09-07. Review status: criteria provided, single submitter. Criteria: Invitae Variant Classification Sherloc (09022015). Collection method: clinical testing. Allele origin: germline.
Comment: This sequence change replaces serine, which is neutral and polar, with isoleucine, which is neutral and non-polar, at codon 696 of the FANCA protein (p.Ser696Ile). This variant is not present in population databases (gnomAD no frequency). This variant has not been reported in the literature in individuals affected with FANCA-related conditions. Advanced modeling of protein sequence and biophysical properties (such as structural, functional, and spatial information, amino acid conservation, physicochemical variation, residue mobility, and thermodynamic stability) performed at Invitae indicates that this missense variant is not expected to disrupt FANCA protein function. In summary, the available evidence is currently insufficient to determine the role of this variant in disease. Therefore, it has been classified as a Variant of Uncertain Significance.

Laboratorio de Genetica e Diagnostico Molecular, Hospital Israelita Albert Einstein
Classification: Uncertain significance for Fanconi anemia complementation group A. Last evaluated: 2022-08-16. Review status: criteria provided, single submitter. Criteria: ACMG Guidelines, 2015. Collection method: clinical testing. Allele origin: germline. Affected: yes. Observed: 1 variant allele.
Comment: ACMG classification criteria: PM2 moderated, BP4 supporting

NM_000135.4(FANCA):c.2087G>T (p.Ser696Ile)

Gene: FANCA (FA complementation group A; minus strand). Cytogenetic location: 16q24.3.
Variant type: single nucleotide variant.
Coding change: c.2087G>T on transcript NM_000135.4 (MANE Select); coding-DNA position 2087, G replaced by T.
Protein change: p.Ser696Ile; replaces serine 696 with isoleucine.
Molecular consequence: missense variant.
Genome position (GRCh38, 1-based): chr16:89,771,742, C>A on the plus strand (G>T on the coding strand, the complement: FANCA is on the minus strand). VCF-style: chr16-89771742-C-A. GRCh37 (hg19) VCF-style: chr16-89838150-C-A.
Other names: c.2087G>T, p.Ser696Ile (NM_001286167.3); short protein forms S696I.
Identifiers: ClinVar variation 2197499 (VCV002197499.3), dbSNP rs2039333785, ClinGen allele CA397448340.